The following is an entry in ClinVar:

ClinVar aggregate classification (germline): Pathogenic (1 of 4 stars; one submission).

Conditions:
Intellectual developmental disorder, autosomal dominant 1. Also called: Intellectual disability, autosomal dominant 1; MBD5 Haploinsufficiency. Identifiers: Orphanet 228402, MedGen C1969562, MONDO:0007974, OMIM 156200.

Submission:

Labcorp Genetics (formerly Invitae), Labcorp
Classification: Pathogenic for Intellectual developmental disorder, autosomal dominant 1. Last evaluated: 2019-07-10. Review status: criteria provided, single submitter. Criteria: Invitae Variant Classification Sherloc (09022015). Collection method: clinical testing. Allele origin: germline.
Comment: For these reasons, this variant has been classified as Pathogenic. This sequence change creates a premature translational stop signal (p.Gly179Tyrfs*86) in the MBD5 gene. It is expected to result in an absent or disrupted protein product. This variant is not present in population databases (ExAC no frequency). This variant has not been reported in the literature in individuals with MBD5-related conditions. Loss-of-function variants in MBD5 are known to be pathogenic (PMID: 23422940, 23587880).

Literature cited by the submitters: PubMed 23422940; PubMed 23587880.

NM_001378120.1(MBD5):c.535_547del (p.Gly179fs)

Gene: MBD5 (methyl-CpG binding domain protein 5; plus strand). Cytogenetic location: 2q23.1.
Variant type: Deletion.
Coding change: c.535_547del on transcript NM_001378120.1 (MANE Select); coding-DNA positions 535 to 547, 13 bases deleted (GGAAGGCTATATG).
Protein change: p.Gly179fs; shifts the reading frame from glycine 179.
Molecular consequence: frameshift variant.
Genome position (GRCh38, 1-based): chr2:148,468,478-148,468,490, GGAAGGCTATATG deleted; deleting any 13 consecutive bases within chr2:148,468,475-148,468,490 gives the same sequence; the c. name uses the placement nearest the transcript's 3' end. VCF-style (leftmost placement, unchanged base first): chr2-148468474-CATGGGAAGGCTAT-C. GRCh37 (hg19) VCF-style: chr2-149226043-CATGGGAAGGCTAT-C.
Other names: c.535_547del, p.Gly179fs (NM_018328.5); short protein forms G179fs.
Identifiers: ClinVar variation 948874 (VCV000948874.8), dbSNP rs1680665652, ClinGen allele CA1139657233.